The following is an entry in ClinVar:

NM_022773.4(LMF1):c.1443C>G (p.Ile481Met)

Gene: LMF1 (lipase maturation factor 1; minus strand). Cytogenetic location: 16p13.3.
Variant type: single nucleotide variant.
Coding change: c.1443C>G on transcript NM_022773.4 (MANE Select); coding-DNA position 1443, C replaced by G.
Protein change: p.Ile481Met; replaces isoleucine 481 with methionine.
Molecular consequence: missense variant. On other transcripts: non-coding transcript variant (1).
Genome position (GRCh38, 1-based): chr16:869,030, G>C on the plus strand (C>G on the coding strand, the complement: LMF1 is on the minus strand). VCF-style: chr16-869030-G-C. GRCh37 (hg19) VCF-style: chr16-919030-G-C.
Other names: c.792C>G, p.Ile264Met (NM_001352017.2, NM_001352021.2); c.1044C>G, p.Ile348Met (NM_001352018.2); c.1116C>G, p.Ile372Met (NM_001352019.2); c.1363C>G, p.Pro455Ala (NM_001352020.1); short protein forms I264M, I348M, I372M, I481M, P455A.
Identifiers: ClinVar variation 3227803 (VCV003227803.1), dbSNP rs372490098, ClinGen allele CA7796968.

ClinVar aggregate classification (germline): Uncertain significance (1 of 4 stars; one submission).

Conditions:
Cardiovascular phenotype. Identifiers: MedGen CN230736.

Allele frequency attached by ClinVar (database versions not stated): gnomAD 0.00001; ESP Exome Variant Server 0.00008.
gnomAD v4.1: 2 of 1,612,420 alleles (0.00012%); highest among the groups gnomAD compares: African/African-American, 0.0027%; no homozygotes.

Submission:

Ambry Genetics
Classification: Uncertain significance for Cardiovascular phenotype. Last evaluated: 2023-11-26. Review status: criteria provided, single submitter. Criteria: Ambry Variant Classification Scheme 2023. Collection method: clinical testing. Allele origin: germline.
Comment: The p.I481M variant (also known as c.1443C>G), located in coding exon 10 of the LMF1 gene, results from a C to G substitution at nucleotide position 1443. The isoleucine at codon 481 is replaced by methionine, an amino acid with highly similar properties. This amino acid position is conserved. In addition, this alteration is predicted to be tolerated by in silico analysis. Since supporting evidence is limited at this time, the clinical significance of this alteration remains unclear.